The following is an entry in ClinVar:

NM_194248.3(OTOF):c.2523+5G>A

Gene: OTOF (otoferlin; minus strand). Cytogenetic location: 2p23.3.
Variant type: single nucleotide variant.
Coding change: c.2523+5G>A on transcript NM_194248.3 (MANE Select); 5 bases into the intron after coding-DNA position 2523, G replaced by A.
Molecular consequence: intron variant.
Genome position (GRCh38, 1-based): chr2:26,477,167, C>T on the plus strand (G>A on the coding strand, the complement: OTOF is on the minus strand). VCF-style: chr2-26477167-C-T. GRCh37 (hg19) VCF-style: chr2-26700035-C-T.
Other names: c.2523+5G>A (NM_001287489.2); c.282+5G>A (NM_194323.3, NM_004802.4); c.453+5G>A (NM_194322.3).
Identifiers: ClinVar variation 48201 (VCV000048201.16), dbSNP rs201745796, ClinGen allele CA142813.
Genomic context (GRCh38, chr2:26,477,167, plus strand): 5'-TGATCCTGAGGGGCCCCAGAGAGCCAGCCCTGGATGAGGCAAAGCCCCGACCCCTTGGGC[C>T]GCACCTCGTCCGCCAGGAAGCGCAGCTTCTGCAGGAAGTTCTGGCACAGCCTCAGCTTGT-3'

ClinVar aggregate classification (germline): Conflicting classifications of pathogenicity. Review status: criteria provided, conflicting classifications (1 of 4 stars). 7 submissions from 7 submitters: Uncertain significance (5); Likely benign (1). 1 of the submissions does not count toward it. Last evaluated 2026-02-07.

Conditions:
OTOF-related disorder. Also called: OTOF-related condition.
Autosomal recessive nonsyndromic hearing loss 9. Also called: OTOF-Related Hearing Loss; Deafness, autosomal recessive 9; NEUROSENSORY NONSYNDROMIC RECESSIVE DEAFNESS 9; AUDITORY NEUROPATHY, AUTOSOMAL RECESSIVE, 1, TEMPERATURE-SENSITIVE. Identifiers: Orphanet 90636, MedGen C1832828, MONDO:0010986, OMIM 601071.

Allele frequency attached by ClinVar (database versions not stated): gnomAD 0.00012 and 0.00013; gnomAD exomes 0.00014 and 0.00024; TOPMed 0.00015; 1000 Genomes Project 30x 0.00016; 1000 Genomes Project 0.00020; ExAC 0.00025.
gnomAD v4.1: 239 of 1,608,630 alleles (0.015%); highest among the groups gnomAD compares: Middle Eastern, 0.068%; 1 homozygote.

Submissions (7):

GeneDx
Classification: Uncertain significance. Last evaluated: 2026-02-07. Review status: criteria provided, single submitter. Criteria: GeneDx Variant Classification Process June 2021. Collection method: clinical testing. Allele origin: germline.
Comment: Reported as heterozygous in an individual with hearing loss who harbored variants in other hearing loss genes (PMID: 35114279); In silico analysis suggests that this variant does not alter splicing; This variant is associated with the following publications: (PMID: 35114279)

Labcorp Genetics (formerly Invitae), Labcorp
Classification: Likely benign. Last evaluated: 2026-01-27. Review status: criteria provided, single submitter. Criteria: Invitae Variant Classification Sherloc (09022015). Collection method: clinical testing. Allele origin: germline.

Blueprint Genetics
Classification: Uncertain significance. Last evaluated: 2024-10-14. Review status: criteria provided, single submitter. Criteria: ACMG Guidelines, 2015. Collection method: clinical testing. Allele origin: germline.

Women's Health and Genetics/Laboratory Corporation of America, LabCorp
Classification: Uncertain significance. Last evaluated: 2023-12-13. Review status: criteria provided, single submitter. Criteria: LabCorp Variant Classification Summary - May 2015. Collection method: clinical testing. Allele origin: germline.
Comment: Variant summary: OTOF c.2523+5G>A alters a non-conserved nucleotide located close to a canonical splice site and therefore could affect mRNA splicing, leading to a significantly altered protein sequence. Several computational tools predict a significant impact on normal splicing: Two predict the variant abolishes a 5' splicing donor site. Two predict the variant weakens a 5' donor site. However, these predictions have yet to be confirmed by functional studies. The variant allele was found at a frequency of 0.00024 in 242192 control chromosomes. This frequency is not significantly higher than estimated for a pathogenic variant in OTOF causing Nonsyndromic Hearing Loss And Deafness, Type 9 (0.00024 vs 0.0011), allowing no conclusion about variant significance. c.2523+5G>A has been reported in the literature in individuals affected with hearing loss (Liu_2022). These report(s) do not provide unequivocal conclusions about association of the variant with Nonsyndromic Hearing Loss And Deafness, Type 9. To our knowledge, no experimental evidence demonstrating an impact on protein function has been reported. The following publication have been ascertained in the context of this evaluation (PMID: 35114279). One submitter has cited clinical-significance assessments for this variant to ClinVar after 2014 and has classified the variant as uncertain significance. Based on the evidence outlined above, the variant was classified as uncertain significance.

Illumina Laboratory Services, Illumina
Classification: Uncertain significance for Autosomal recessive nonsyndromic hearing loss 9. Last evaluated: 2018-01-13. Review status: criteria provided, single submitter. Criteria: ICSL Variant Classification Criteria 13 December 2019. Collection method: clinical testing. Allele origin: germline.

Laboratory for Molecular Medicine, Mass General Brigham Personalized Medicine
Classification: Uncertain significance. Last evaluated: 2011-10-05. Review status: criteria provided, single submitter. Criteria: LMM Criteria. Collection method: clinical testing. Allele origin: germline. Observed: 1 variant allele.
Comment: The 2523+5G>A variant in OTOF has not been reported in the literature nor previo usly identified by our laboratory. The 2523+5G>A variant is located in the 5' sp lice region but does not affect the invariant +1 and +2 positions. However, posi tions +3 to +6 are part of the splicing consensus sequence and variants involvin g these positions sometimes affect splicing. It should be noted that this lab ha s only sequenced the OTOF gene in 9 Ashkenazi Jewish individuals and no Ashkenaz i Jewish healthy controls. In addition, healthy control information is limited i n either public databases or scientific literature, such that the full spectrum of benign variation has not yet been defined for this population. Future analysi s could reveal that the 2523+5G>A variant is common in this population and there fore unlikely to be pathogenic. In the absence of additional information, such a s control data, segregation studies or functional analysis, the clinical signifi cance of this variant cannot be determined at this time.

PreventionGenetics, part of Exact Sciences
Classification: Likely benign for OTOF-related condition. Last evaluated: 2024-04-29. Review status: no assertion criteria provided. Collection method: clinical testing. Allele origin: germline. Not counted in ClinVar's aggregate classification.
Comment: This variant is classified as likely benign based on ACMG/AMP sequence variant interpretation guidelines (Richards et al. 2015 PMID: 25741868, with internal and published modifications).

Literature cited by the submitters: PubMed 35114279 (cited by Women's Health and Genetics/Laboratory Corporation of America, LabCorp).